The following is an entry in ClinVar:

NM_000188.3(HK1):c.1655C>T (p.Thr552Met)

Gene: HK1 (hexokinase 1; plus strand). Cytogenetic location: 10q22.1.
Variant type: single nucleotide variant.
Coding change: c.1655C>T on transcript NM_000188.3 (MANE Select); coding-DNA position 1655, C replaced by T.
Protein change: p.Thr552Met; replaces threonine 552 with methionine.
Molecular consequence: missense variant.
Genome position (GRCh38, 1-based): chr10:69,384,417, C>T. VCF-style: chr10-69384417-C-T. GRCh37 (hg19) VCF-style: chr10-71144173-C-T.
Other names: c.1667C>T, p.Thr556Met (NM_001322364.2, NM_001358263.1, NM_033497.3 and 1 more transcripts); c.1760C>T, p.Thr587Met (NM_001322365.2); c.1571C>T, p.Thr524Met (NM_001322366.1); c.1559C>T, p.Thr520Met (NM_001322367.1); c.1652C>T, p.Thr551Met (NM_033496.3); c.1619C>T, p.Thr540Met (NM_033500.2); short protein forms T520M, T524M, T540M, T551M, T552M, T556M, T587M.
Identifiers: ClinVar variation 3608368 (VCV003608368.2).

ClinVar aggregate classification (germline): Uncertain significance (1 of 4 stars; one submission).

Submission:

Labcorp Genetics (formerly Invitae), Labcorp
Classification: Uncertain significance. Last evaluated: 2024-04-22. Review status: criteria provided, single submitter. Criteria: Invitae Variant Classification Sherloc (09022015). Collection method: clinical testing. Allele origin: germline.
Comment: This sequence change replaces threonine, which is neutral and polar, with methionine, which is neutral and non-polar, at codon 552 of the HK1 protein (p.Thr552Met). This variant is present in population databases (rs764684382, gnomAD 0.006%). This variant has not been reported in the literature in individuals affected with HK1-related conditions. Advanced modeling of protein sequence and biophysical properties (such as structural, functional, and spatial information, amino acid conservation, physicochemical variation, residue mobility, and thermodynamic stability) performed at Invitae indicates that this missense variant is not expected to disrupt HK1 protein function with a negative predictive value of 80%. In summary, the available evidence is currently insufficient to determine the role of this variant in disease. Therefore, it has been classified as a Variant of Uncertain Significance.